The following is an entry in ClinVar:

ClinVar aggregate classification (germline): Uncertain significance. Review status: criteria provided, multiple submitters, no conflicts (2 of 4 stars). 2 submissions from 2 submitters: Uncertain significance (2). Last evaluated 2025-09-22.

Conditions:
Atypical glycine encephalopathy. Also called: Glycine encephalopathy with normal serum glycine. Identifiers: Orphanet 289863, MedGen C4310943, MONDO:0015010, OMIM 617301.
Inborn genetic diseases. Identifiers: MedGen C0950123, MeSH D030342.

Allele frequency attached by ClinVar (database versions not stated): ExAC 0.00001.
gnomAD v4.1: 16 of 1,613,190 alleles (0.00099%); highest among the groups gnomAD compares: Admixed American, 0.015%; no homozygotes.

Submissions (2):

Ambry Genetics
Classification: Uncertain significance for Inborn genetic diseases. Last evaluated: 2025-09-22. Review status: criteria provided, single submitter. Criteria: Ambry Variant Classification Scheme 2023. Collection method: clinical testing. Allele origin: germline.

Labcorp Genetics (formerly Invitae), Labcorp
Classification: Uncertain significance for Atypical glycine encephalopathy. Last evaluated: 2024-10-30. Review status: criteria provided, single submitter. Criteria: Invitae Variant Classification Sherloc (09022015). Collection method: clinical testing. Allele origin: germline.
Comment: This sequence change replaces asparagine, which is neutral and polar, with threonine, which is neutral and polar, at codon 66 of the SLC6A9 protein (p.Asn66Thr). This variant is not present in population databases (gnomAD no frequency). This variant has not been reported in the literature in individuals affected with SLC6A9-related conditions. ClinVar contains an entry for this variant (Variation ID: 1358489). An algorithm developed to predict the effect of missense changes on protein structure and function (PolyPhen-2) suggests that this variant is likely to be tolerated. In summary, the available evidence is currently insufficient to determine the role of this variant in disease. Therefore, it has been classified as a Variant of Uncertain Significance.

NM_001024845.3(SLC6A9):c.31-731A>C

Gene: SLC6A9 (solute carrier family 6 member 9; minus strand). Cytogenetic location: 1p34.1.
Variant type: single nucleotide variant.
Coding change: c.31-731A>C on transcript NM_001024845.3 (MANE Select); 731 bases into the intron before coding-DNA position 31, A replaced by C.
Molecular consequence: intron variant. On other transcripts: missense variant (1).
Genome position (GRCh38, 1-based): chr1:44,011,613, T>G on the plus strand (A>C on the coding strand, the complement: SLC6A9 is on the minus strand). VCF-style: chr1-44011613-T-G. GRCh37 (hg19) VCF-style: chr1-44477285-T-G.
Other names: c.197A>C, p.Asn66Thr (NM_201649.4); c.-14-2990A>C (NM_001328630.2, NM_001328626.2); c.31-731A>C (NM_001328629.1); c.125-2990A>C (NM_001328628.1); c.125-1517A>C (NM_001328627.1); c.88-731A>C (NM_001261380.2, NM_006934.4); c.197A>C (NM_201649.2); short protein forms N66T.
Identifiers: ClinVar variation 1358489 (VCV001358489.9), dbSNP rs746124622, ClinGen allele CA817930.